The following is an entry in ClinVar:

NM_023034.2(NSD3):c.1386G>A (p.Glu462=)

Gene: NSD3 (nuclear receptor binding SET domain protein 3; minus strand). Cytogenetic location: 8p11.23.
Variant type: single nucleotide variant.
Coding change: c.1386G>A on transcript NM_023034.2 (MANE Select); coding-DNA position 1386, G replaced by A.
Protein change: p.Glu462=; no amino-acid change (glutamic acid 462 retained).
Molecular consequence: synonymous variant.
Genome position (GRCh38, 1-based): chr8:38,329,573, C>T on the plus strand (G>A on the coding strand, the complement: NSD3 is on the minus strand). VCF-style: chr8-38329573-C-T. GRCh37 (hg19) VCF-style: chr8-38187091-C-T.
Other names: c.1386G>A, p.Glu462= (NM_017778.3).
Identifiers: ClinVar variation 3035790 (VCV003035790.2), dbSNP rs147811287, ClinGen allele CA4717356.

ClinVar aggregate classification (germline): Likely benign (0 of 4 stars; one submission).

Conditions:
NSD3-related disorder. Also called: NSD3-related condition.

Allele frequency attached by ClinVar (database versions not stated): gnomAD exomes 0.00001; ExAC 0.00004; gnomAD 0.00007; TOPMed 0.00010; ESP Exome Variant Server 0.00015.
gnomAD v4.1: 19 of 1,614,114 alleles (0.0012%); highest among the groups gnomAD compares: African/African-American, 0.023%; no homozygotes.

Submission:

PreventionGenetics, part of Exact Sciences
Classification: Likely benign for NSD3-related condition. Last evaluated: 2019-02-28. Review status: no assertion criteria provided. Collection method: clinical testing. Allele origin: germline.
Comment: This variant is classified as likely benign based on ACMG/AMP sequence variant interpretation guidelines (Richards et al. 2015 PMID: 25741868, with internal and published modifications).